The following is an entry in ClinVar:

ClinVar aggregate classification (germline): Uncertain significance (1 of 4 stars; one submission).

Submission:

GeneDx
Classification: Uncertain significance. Last evaluated: 2022-03-07. Review status: criteria provided, single submitter. Criteria: GeneDx Variant Classification Process June 2021. Collection method: clinical testing. Allele origin: germline. Affected: yes.
Comment: Not observed at significant frequency in large population cohorts (gnomAD); In silico analysis supports that this missense variant does not alter protein structure/function; Has not been previously published as pathogenic or benign to our knowledge

NM_024408.4(NOTCH2):c.4991T>A (p.Val1664Glu)

Gene: NOTCH2 (notch receptor 2; minus strand). Cytogenetic location: 1p12.
Variant type: single nucleotide variant.
Coding change: c.4991T>A on transcript NM_024408.4 (MANE Select); coding-DNA position 4991, T replaced by A.
Protein change: p.Val1664Glu; replaces valine 1664 with glutamic acid.
Molecular consequence: missense variant.
Genome position (GRCh38, 1-based): chr1:119,922,647, A>T on the plus strand (T>A on the coding strand, the complement: NOTCH2 is on the minus strand). VCF-style: chr1-119922647-A-T. GRCh37 (hg19) VCF-style: chr1-120465270-A-T.
Other names: short protein forms V1664E.
Identifiers: ClinVar variation 1704722 (VCV001704722.2), dbSNP rs2101155922, ClinGen allele CA341887339.